The following is an entry in ClinVar:

ClinVar aggregate classification (germline): Likely benign. Review status: criteria provided, multiple submitters, no conflicts (2 of 4 stars). 3 submissions from 3 submitters: Likely benign (3). Last evaluated 2025-12-31.

Conditions:
Saldino-Mainzer syndrome (SRTD9). Also called: SHORT-RIB THORACIC DYSPLASIA 9 WITHOUT POLYDACTYLY; short-rib thoracic dysplasia 9 with or without polydactyly; Renal dysplasia, retinal pigmentary dystrophy, cerebellar ataxia and skeletal dysplasia; CONORENAL SYNDROME. Identifiers: Orphanet 140969, MedGen C1849437, MONDO:0009964, OMIM 266920.
IFT140-related disorder. Also called: IFT140-related condition.

Allele frequency attached by ClinVar (database versions not stated): gnomAD 0.00005 and 0.00006; ESP Exome Variant Server 0.00008; gnomAD exomes 0.00008 and 0.00012; TOPMed 0.00011; ExAC 0.00014.
gnomAD v4.1: 186 of 1,567,176 alleles (0.012%); highest among the groups gnomAD compares: Admixed American, 0.027%; no homozygotes.

Submissions (3):

Labcorp Genetics (formerly Invitae), Labcorp
Classification: Likely benign for Saldino-Mainzer syndrome. Last evaluated: 2025-12-31. Review status: criteria provided, single submitter. Criteria: Invitae Variant Classification Sherloc (09022015). Collection method: clinical testing. Allele origin: germline.

PreventionGenetics, part of Exact Sciences
Classification: Likely benign for IFT140-related condition. Last evaluated: 2025-01-02. Review status: criteria provided, single submitter. Criteria: ACMG Guidelines, 2015. Collection method: clinical testing. Allele origin: germline.
Comment: This variant is classified as likely benign based on ACMG/AMP sequence variant interpretation guidelines (Richards et al. 2015 PMID: 25741868, with internal and published modifications).

Blueprint Genetics
Classification: Likely benign. Last evaluated: 2024-01-17. Review status: criteria provided, single submitter. Criteria: ACMG Guidelines, 2015. Collection method: clinical testing. Allele origin: germline.

NM_014714.4(IFT140):c.2544C>T (p.Arg848=)

Gene: IFT140 (intraflagellar transport 140; minus strand). Cytogenetic location: 16p13.3.
Variant type: single nucleotide variant.
Coding change: c.2544C>T on transcript NM_014714.4 (MANE Select); coding-DNA position 2544, C replaced by T.
Protein change: p.Arg848=; no amino-acid change (arginine 848 retained).
Molecular consequence: synonymous variant.
Genome position (GRCh38, 1-based): chr16:1,526,652, G>A on the plus strand (C>T on the coding strand, the complement: IFT140 is on the minus strand). VCF-style: chr16-1526652-G-A. GRCh37 (hg19) VCF-style: chr16-1576653-G-A.
Identifiers: ClinVar variation 778707 (VCV000778707.12), dbSNP rs371008462, ClinGen allele CA7813591.